The following is an entry in ClinVar:

ClinVar aggregate classification (germline): Likely pathogenic (1 of 4 stars; one submission).

Conditions:
COG5-congenital disorder of glycosylation. Also called: CDG IIi; CONGENITAL DISORDER OF GLYCOSYLATION, TYPE IIi; COG5-CDG. Identifiers: Orphanet 263487, MedGen C3150876, MONDO:0013325, OMIM 613612.

Allele frequency attached by ClinVar (database versions not stated): TOPMed below 0.00001.

Submission:

Labcorp Genetics (formerly Invitae), Labcorp
Classification: Likely pathogenic for COG5-congenital disorder of glycosylation. Last evaluated: 2025-11-12. Review status: criteria provided, single submitter. Criteria: Invitae Variant Classification Sherloc (09022015). Collection method: clinical testing. Allele origin: germline.
Comment: This sequence change affects a donor splice site in intron 7 of the COG5 gene. It is expected to disrupt RNA splicing. Variants that disrupt the donor or acceptor splice site typically lead to a loss of protein function (PMID: 16199547), and loss-of-function variants in COG5 are known to be pathogenic (PMID: 23228021). This variant is not present in population databases (gnomAD no frequency). This variant has not been reported in the literature in individuals affected with COG5-related conditions. ClinVar contains an entry for this variant (Variation ID: 1505193). Algorithms developed to predict the effect of sequence changes on RNA splicing suggest that this variant may disrupt the consensus splice site. In summary, the currently available evidence indicates that the variant is pathogenic, but additional data are needed to prove that conclusively. Therefore, this variant has been classified as Likely Pathogenic.

Literature cited by the submitters: PubMed 16199547; PubMed 23228021.

NM_006348.5(COG5):c.669+1G>T

Gene: COG5 (component of oligomeric golgi complex 5; minus strand). Cytogenetic location: 7q22.3.
Variant type: single nucleotide variant.
Coding change: c.669+1G>T on transcript NM_006348.5 (MANE Select); the canonical splice donor site of the intron after coding-DNA position 669, G replaced by T.
Molecular consequence: splice donor variant. On other transcripts: intron variant (2).
Genome position (GRCh38, 1-based): chr7:107,412,501, C>A on the plus strand (G>T on the coding strand, the complement: COG5 is on the minus strand). VCF-style: chr7-107412501-C-A. GRCh37 (hg19) VCF-style: chr7-107052946-C-A.
Other names: c.235-50391G>T (NM_001379516.1); c.539-114155G>T (NM_001379515.1); c.669+1G>T (NM_001379511.1, NM_001379512.1, NM_181733.4 and 3 more transcripts).
Identifiers: ClinVar variation 1505193 (VCV001505193.8), dbSNP rs1792377306, ClinGen allele CA368938662.